The following is an entry in ClinVar:

NM_001127464.1:c.8956G>C

Gene: ZNF469 (zinc finger protein 469; plus strand).
Variant type: single nucleotide variant.
Identifiers: ClinVar variation 4845036 (VCV004845036.1).

ClinVar aggregate classification (germline): Uncertain significance (1 of 4 stars; one submission).

Conditions:
Cardiovascular phenotype. Identifiers: MedGen CN230736.

Submission:

Ambry Genetics
Classification: Uncertain significance for Cardiovascular phenotype. Last evaluated: 2026-02-19. Review status: criteria provided, single submitter. Criteria: Ambry Variant Classification Scheme 2023. Collection method: clinical testing. Allele origin: germline.
Comment: The p.G2986R variant (also known as c.8956G>C), located in coding exon 2 of the ZNF469 gene, results from a G to C substitution at nucleotide position 8956. The glycine at codon 2986 is replaced by arginine, an amino acid with dissimilar properties. This amino acid position is conserved. In addition, this alteration is predicted to be tolerated by in silico analysis. Based on the available evidence, the clinical significance of this variant remains unclear.